The following is an entry in ClinVar:

NM_005068.3(SIM1):c.1567C>T (p.His523Tyr)

Genes: SIM1 (SIM bHLH transcription factor 1; minus strand), SIM1-AS1 (SIM1 antisense RNA 1; plus strand). Cytogenetic location: 6q16.3.
Variant type: single nucleotide variant.
Coding change: c.1567C>T on transcript NM_005068.3 (MANE Select); coding-DNA position 1567, C replaced by T.
Protein change: p.His523Tyr; replaces histidine 523 with tyrosine.
Molecular consequence: missense variant. On other transcripts: non-coding transcript variant (1).
Genome position (GRCh38, 1-based): chr6:100,393,490, G>A on the plus strand (C>T on the coding strand, the complement: SIM1 is on the minus strand). VCF-style: chr6-100393490-G-A. GRCh37 (hg19) VCF-style: chr6-100841366-G-A.
Other names: c.1567C>T, p.His523Tyr (NM_001374769.1); short protein forms H523Y.
Identifiers: ClinVar variation 2599493 (VCV002599493.6), dbSNP rs754370583, ClinGen allele CA3936994.

ClinVar aggregate classification (germline): Uncertain significance. Review status: criteria provided, multiple submitters, no conflicts (2 of 4 stars). 2 submissions from 2 submitters: Uncertain significance (2). Last evaluated 2025-10-21.

Conditions:
SIM1-related disorder. Also called: SIM1-related disorders; SIM1-related condition.
Inborn genetic diseases. Identifiers: MedGen C0950123, MeSH D030342.

Allele frequency attached by ClinVar (database versions not stated): gnomAD 0.00001; gnomAD exomes 0.00002; ExAC 0.00003; TOPMed 0.00006.
gnomAD v4.1: 9 of 1,524,798 alleles (0.00059%); highest among the groups gnomAD compares: Admixed American, 0.019%; no homozygotes.

Submissions (2):

PreventionGenetics, part of Exact Sciences
Classification: Uncertain significance for SIM1-related condition. Last evaluated: 2025-10-21. Review status: criteria provided, single submitter. Criteria: ACMG Guidelines, 2015. Collection method: clinical testing. Allele origin: germline.
Comment: The SIM1 c.1567C>T variant is predicted to result in the amino acid substitution p.His523Tyr. To our knowledge, this variant has not been reported in the literature. This variant is reported in 0.035% of alleles in individuals of Latino descent in gnomAD. At this time, the clinical significance of this variant is uncertain due to the absence of conclusive functional and genetic evidence.

Ambry Genetics
Classification: Uncertain significance for Inborn genetic diseases. Last evaluated: 2023-09-12. Review status: criteria provided, single submitter. Criteria: Ambry Variant Classification Scheme 2023. Collection method: clinical testing. Allele origin: germline.